The following is an entry in ClinVar:

ClinVar aggregate classification (germline): Likely benign (1 of 4 stars; one submission).

gnomAD v4.1: 61 of 1,403,406 alleles (0.0043%); highest among the groups gnomAD compares: Non-Finnish European, 0.0054%; no homozygotes.

Submission:

CeGaT Center for Human Genetics Tuebingen
Classification: Likely benign. Last evaluated: 2025-06-01. Review status: criteria provided, single submitter. Criteria: CeGaT Center For Human Genetics Tuebingen Variant Classification Criteria Version 2. Collection method: clinical testing. Allele origin: germline. Affected: yes. Observed: 1 variant allele.
Comment: TSC2: BP4, BS1

NM_000548.5(TSC2):c.3883+94C>T

Gene: TSC2 (TSC complex subunit 2; plus strand). Cytogenetic location: 16p13.3.
Variant type: single nucleotide variant.
Coding change: c.3883+94C>T on transcript NM_000548.5 (MANE Select); 94 bases into the intron after coding-DNA position 3883, C replaced by T.
Molecular consequence: intron variant.
Genome position (GRCh38, 1-based): chr16:2,082,598, C>T. VCF-style: chr16-2082598-C-T. GRCh37 (hg19) VCF-style: chr16-2132599-C-T.
Other names: c.2341+800C>T (NM_001406693.1, NM_001406692.1, NM_001406694.1); c.3775+800C>T (NM_001406667.1); c.3772+800C>T (NM_001406668.1); c.3283+94C>T (NM_001406680.1); c.3214+800C>T (NM_001406683.1, NM_001406682.1); c.3082+800C>T (NM_001406687.1, NM_001406688.1); c.2470+800C>T (NM_001406689.1); c.2410+94C>T (NM_001406690.1); and 26 more.
Identifiers: ClinVar variation 3905616 (VCV003905616.10).